The following is an entry in ClinVar:

NM_006231.4(POLE):c.2486T>C (p.Met829Thr)

Gene: POLE (DNA polymerase epsilon, catalytic subunit; minus strand). Cytogenetic location: 12q24.33.
Variant type: single nucleotide variant.
Coding change: c.2486T>C on transcript NM_006231.4 (MANE Select); coding-DNA position 2486, T replaced by C.
Protein change: p.Met829Thr; replaces methionine 829 with threonine.
Molecular consequence: missense variant.
Genome position (GRCh38, 1-based): chr12:132,664,445, A>G on the plus strand (T>C on the coding strand, the complement: POLE is on the minus strand). VCF-style: chr12-132664445-A-G. GRCh37 (hg19) VCF-style: chr12-133241031-A-G.
Other names: short protein forms M829T.
Identifiers: ClinVar variation 405814 (VCV000405814.10), dbSNP rs1060500860, ClinGen allele CA16613918.

ClinVar aggregate classification (germline): Uncertain significance. Review status: criteria provided, multiple submitters, no conflicts (2 of 4 stars). 2 submissions from 2 submitters: Uncertain significance (2). Last evaluated 2025-06-08.

Conditions:
Hereditary cancer-predisposing syndrome. Also called: Hereditary Cancer Syndrome; Hereditary neoplastic syndrome; Neoplastic Syndromes, Hereditary; Tumor predisposition. Identifiers: Orphanet 140162, MedGen C0027672, MeSH D009386, MONDO:0015356.

Allele frequency attached by ClinVar (database versions not stated): TOPMed below 0.00001; gnomAD 0.00001.
gnomAD v4.1: 1 of 1,613,882 alleles (0.000062%); highest among the groups gnomAD compares: African/African-American, 0.0013%; no homozygotes.

Submissions (2):

Labcorp Genetics (formerly Invitae), Labcorp
Classification: Uncertain significance. Last evaluated: 2025-06-08. Review status: criteria provided, single submitter. Criteria: Invitae Variant Classification Sherloc (09022015). Collection method: clinical testing. Allele origin: germline.
Comment: This sequence change replaces methionine, which is neutral and non-polar, with threonine, which is neutral and polar, at codon 829 of the POLE protein (p.Met829Thr). This variant is present in population databases (no rsID available, gnomAD 0.01%). This variant has not been reported in the literature in individuals affected with POLE-related conditions. ClinVar contains an entry for this variant (Variation ID: 405814). Invitae Evidence Modeling of protein sequence and biophysical properties (such as structural, functional, and spatial information, amino acid conservation, physicochemical variation, residue mobility, and thermodynamic stability) indicates that this missense variant is expected to disrupt POLE protein function with a positive predictive value of 80%. In summary, the available evidence is currently insufficient to determine the role of this variant in disease. Therefore, it has been classified as a Variant of Uncertain Significance.

Ambry Genetics
Classification: Uncertain significance for Hereditary cancer-predisposing syndrome. Last evaluated: 2025-02-25. Review status: criteria provided, single submitter. Criteria: Ambry Variant Classification Scheme 2023. Collection method: clinical testing. Allele origin: germline.
Comment: The p.M829T variant (also known as c.2486T>C), located in coding exon 22 of the POLE gene, results from a T to C substitution at nucleotide position 2486. The methionine at codon 829 is replaced by threonine, an amino acid with similar properties. This amino acid position is conserved. In addition, this alteration is predicted to be deleterious by in silico analysis. Based on the available evidence, the clinical significance of this variant remains unclear.